The following is an entry in ClinVar:

ClinVar aggregate classification (germline): Uncertain significance (1 of 4 stars; one submission).

Allele frequency attached by ClinVar (database versions not stated): TOPMed 0.00001; gnomAD exomes below 0.00001.
gnomAD v4.1: 3 of 1,604,204 alleles (0.00019%); highest among the groups gnomAD compares: Non-Finnish European, 0.00017%; no homozygotes.

Submission:

Labcorp Genetics (formerly Invitae), Labcorp
Classification: Uncertain significance. Last evaluated: 2025-04-30. Review status: criteria provided, single submitter. Criteria: Invitae Variant Classification Sherloc (09022015). Collection method: clinical testing. Allele origin: germline.
Comment: This sequence change replaces glutamine, which is neutral and polar, with glutamic acid, which is acidic and polar, at codon 1311 of the BRD4 protein (p.Gln1311Glu). This variant is not present in population databases (gnomAD no frequency). This variant has not been reported in the literature in individuals affected with BRD4-related conditions. ClinVar contains an entry for this variant (Variation ID: 2898882). An algorithm developed to predict the effect of missense changes on protein structure and function (PolyPhen-2) suggests that this variant is likely to be tolerated. In summary, the available evidence is currently insufficient to determine the role of this variant in disease. Therefore, it has been classified as a Variant of Uncertain Significance.

NM_001379291.1(BRD4):c.3931C>G (p.Gln1311Glu)

Gene: BRD4 (bromodomain containing 4; minus strand). Cytogenetic location: 19p13.12.
Variant type: single nucleotide variant.
Coding change: c.3931C>G on transcript NM_001379291.1 (MANE Select); coding-DNA position 3931, C replaced by G.
Protein change: p.Gln1311Glu; replaces glutamine 1311 with glutamic acid.
Molecular consequence: missense variant.
Genome position (GRCh38, 1-based): chr19:15,238,832, G>C on the plus strand (C>G on the coding strand, the complement: BRD4 is on the minus strand). VCF-style: chr19-15238832-G-C. GRCh37 (hg19) VCF-style: chr19-15349643-G-C.
Other names: c.3931C>G, p.Gln1311Glu (NM_058243.3); short protein forms Q1311E.
Identifiers: ClinVar variation 2898882 (VCV002898882.3), dbSNP rs2047214042, ClinGen allele CA404496435.